The following is an entry in ClinVar:

ClinVar aggregate classification (germline): Uncertain significance (1 of 4 stars; one submission).

Conditions:
Dilated cardiomyopathy 1DD (CMD1DD). Identifiers: Orphanet 154, MedGen C2750995, MONDO:0013168, OMIM 613172.

Allele frequency attached by ClinVar (database versions not stated): TOPMed below 0.00001; gnomAD 0.00001.
gnomAD v4.1: 1 of 1,551,220 alleles (0.000064%); highest among the groups gnomAD compares: East Asian, 0.0024%; no homozygotes.

Submission:

Labcorp Genetics (formerly Invitae), Labcorp
Classification: Uncertain significance for Dilated cardiomyopathy 1DD. Last evaluated: 2023-11-21. Review status: criteria provided, single submitter. Criteria: Invitae Variant Classification Sherloc (09022015). Collection method: clinical testing. Allele origin: germline.
Comment: This sequence change replaces threonine, which is neutral and polar, with isoleucine, which is neutral and non-polar, at codon 467 of the RBM20 protein (p.Thr467Ile). This variant is not present in population databases (gnomAD no frequency). This variant has not been reported in the literature in individuals affected with RBM20-related conditions. Advanced modeling of protein sequence and biophysical properties (such as structural, functional, and spatial information, amino acid conservation, physicochemical variation, residue mobility, and thermodynamic stability) performed at Invitae indicates that this missense variant is not expected to disrupt RBM20 protein function with a negative predictive value of 95%. Algorithms developed to predict the effect of sequence changes on RNA splicing suggest that this variant may disrupt the consensus splice site. In summary, the available evidence is currently insufficient to determine the role of this variant in disease. Therefore, it has been classified as a Variant of Uncertain Significance.

NM_001134363.3(RBM20):c.1400C>T (p.Thr467Ile)

Gene: RBM20 (RNA binding motif protein 20; plus strand). Cytogenetic location: 10q25.2.
Variant type: single nucleotide variant.
Coding change: c.1400C>T on transcript NM_001134363.3 (MANE Select); coding-DNA position 1400, C replaced by T.
Protein change: p.Thr467Ile; replaces threonine 467 with isoleucine.
Molecular consequence: missense variant.
Genome position (GRCh38, 1-based): chr10:110,784,403, C>T. VCF-style: chr10-110784403-C-T. GRCh37 (hg19) VCF-style: chr10-112544161-C-T.
Other names: short protein forms T467I.
Identifiers: ClinVar variation 3014008 (VCV003014008.3), dbSNP rs775062085, ClinGen allele CA378387959.
Genomic context (GRCh38, chr10:110,784,403, plus strand): 5'-CTGGCATCCGGTGTATACTTGGTTCGGCAGAGGGAACATTGTGTGCTTCTCCCAACAGCA[C>T]AGCTGTTTATAACCCTGCTGGGAATGAAGGTGAGCAAGGCCCTACAGGTCAGCAGCTTGA-3'
Protein context (NP_001127835.2, residues 457-477): EGTLCASPNS[Thr467Ile]AVYNPAGNED